The following is an entry in ClinVar:

ClinVar aggregate classification (germline): Uncertain significance. Review status: criteria provided, multiple submitters, no conflicts (2 of 4 stars). 2 submissions from 2 submitters: Uncertain significance (2). Last evaluated 2024-06-05.

Conditions:
Mitochondrial complex II deficiency, nuclear type 1. Also called: SUCCINATE CoQ REDUCTASE DEFICIENCY. Identifiers: Orphanet 3208, MedGen C5700310, MONDO:0100294, OMIM 252011.
Pheochromocytoma/paraganglioma syndrome 5. Also called: Paragangliomas 5; SDHA-Related Hereditary Paraganglioma-Pheochromocytoma Syndrome. Identifiers: Orphanet 29072, MedGen C3279992, MONDO:0013602, OMIM 614165.

Allele frequency attached by ClinVar (database versions not stated): gnomAD 0.00001.
gnomAD v4.1: 1 of 1,613,844 alleles (0.000062%); highest among the groups gnomAD compares: African/African-American, 0.0013%; no homozygotes.

Submissions (2):

GeneDx
Classification: Uncertain significance. Last evaluated: 2024-06-05. Review status: criteria provided, single submitter. Criteria: GeneDx Variant Classification Process June 2021. Collection method: clinical testing. Allele origin: germline. Affected: yes.
Comment: Not observed at significant frequency in large population cohorts (gnomAD); In silico analysis indicates that this missense variant does not alter protein structure/function; Has not been previously published as pathogenic or benign to our knowledge

Labcorp Genetics (formerly Invitae), Labcorp
Classification: Uncertain significance for Pheochromocytoma/paraganglioma syndrome 5; Mitochondrial complex II deficiency, nuclear type 1. Last evaluated: 2021-07-13. Review status: criteria provided, single submitter. Criteria: Invitae Variant Classification Sherloc (09022015). Collection method: clinical testing. Allele origin: germline.
Comment: This sequence change replaces asparagine with histidine at codon 426 of the SDHA protein (p.Asn426His). The asparagine residue is moderately conserved and there is a small physicochemical difference between asparagine and histidine. This variant is not present in population databases (ExAC no frequency). This variant has not been reported in the literature in individuals affected with SDHA-related conditions. Advanced modeling of protein sequence and biophysical properties (such as structural, functional, and spatial information, amino acid conservation, physicochemical variation, residue mobility, and thermodynamic stability) performed at Invitae indicates that this missense variant is not expected to disrupt SDHA protein function. In summary, the available evidence is currently insufficient to determine the role of this variant in disease. Therefore, it has been classified as a Variant of Uncertain Significance.

NM_004168.4(SDHA):c.1276A>C (p.Asn426His)

Gene: SDHA (succinate dehydrogenase complex flavoprotein subunit A; plus strand). Cytogenetic location: 5p15.33.
Variant type: single nucleotide variant.
Coding change: c.1276A>C on transcript NM_004168.4 (MANE Select); coding-DNA position 1276, A replaced by C.
Protein change: p.Asn426His; replaces asparagine 426 with histidine.
Molecular consequence: missense variant.
Genome position (GRCh38, 1-based): chr5:236,443, A>C. VCF-style: chr5-236443-A-C. GRCh37 (hg19) VCF-style: chr5-236558-A-C.
Other names: c.1276A>C (NM_004168.2); c.1132A>C, p.Asn378His (NM_001294332.2); c.1276A>C, p.Asn426His (NM_001330758.2); short protein forms N426H, N378H.
Identifiers: ClinVar variation 1404137 (VCV001404137.9), dbSNP rs1735781689, ClinGen allele CA359013827.